The following is an entry in ClinVar:

ClinVar aggregate classification (germline): Benign/Likely benign. Review status: criteria provided, multiple submitters, no conflicts (2 of 4 stars). 3 submissions from 3 submitters: Benign (1); Likely benign (2). Last evaluated 2025-08-01.

Conditions:
Hereditary nonpolyposis colorectal neoplasms. Identifiers: MedGen C0009405, MeSH D003123.
Lynch syndrome 4 (LYNCH4). Also called: Colorectal cancer, hereditary nonpolyposis, type 4; Hereditary non-polyposis colorectal cancer, type 4. Identifiers: Orphanet 144, MedGen C1838333, MONDO:0013699, OMIM 614337. Disease mechanism: loss of function.

Submissions (3):

CeGaT Center for Human Genetics Tuebingen
Classification: Likely benign. Last evaluated: 2025-08-01. Review status: criteria provided, single submitter. Criteria: CeGaT Center For Human Genetics Tuebingen Variant Classification Criteria Version 2. Collection method: clinical testing. Allele origin: germline. Affected: yes. Observed: 1 variant allele.
Comment: PMS2: PM2:Supporting, BP4, BP7

Myriad Genetics, Inc.
Classification: Benign for Lynch syndrome 4. Last evaluated: 2025-01-24. Review status: criteria provided, single submitter. Criteria: Myriad Autosomal Dominant, Autosomal Recessive and X-Linked Classification Criteria (2023). Collection method: clinical testing. Allele origin: unknown.
Comment: This variant is considered benign. This variant is a silent/synonymous amino acid change and it is not expected to impact splicing.

Labcorp Genetics (formerly Invitae), Labcorp
Classification: Likely benign for Hereditary nonpolyposis colorectal neoplasms. Last evaluated: 2024-04-13. Review status: criteria provided, single submitter. Criteria: Invitae Variant Classification Sherloc (09022015). Collection method: clinical testing. Allele origin: germline.

NM_000535.7(PMS2):c.339A>G (p.Ser113=)

Gene: PMS2 (PMS1 homolog 2, mismatch repair system component; minus strand). Cytogenetic location: 7p22.1.
Variant type: single nucleotide variant.
Coding change: c.339A>G on transcript NM_000535.7 (MANE Select); coding-DNA position 339, A replaced by G.
Protein change: p.Ser113=; no amino-acid change (serine 113 retained).
Molecular consequence: synonymous variant. On other transcripts: non-coding transcript variant (1), intron variant (21), 5 prime UTR variant (25).
Genome position (GRCh38, 1-based): chr7:6,003,704, T>C on the plus strand (A>G on the coding strand, the complement: PMS2 is on the minus strand). VCF-style: chr7-6003704-T-C. GRCh37 (hg19) VCF-style: chr7-6043335-T-C.
Other names: c.339A>G, p.Ser113= (NM_001406912.1, NM_001322006.2, NM_001322014.2 and 8 more transcripts); c.35+268A>G (NM_001322008.2, NM_001406902.1, NM_001406883.1 and 4 more transcripts); c.-132+268A>G (NM_001406881.1, NM_001406900.1); c.-53+39A>G (NM_001406895.1, NM_001406904.1, NM_001406889.1 and 6 more transcripts); c.-52-1068A>G (NM_001406896.1); c.250+268A>G (NM_001406885.1); c.-132+39A>G (NM_001406880.1); c.-67A>G (NM_001406908.1, NM_001406910.1, NM_001406911.1 and 13 more transcripts); and 5 more.
Identifiers: ClinVar variation 3649746 (VCV003649746.11).
Genomic context (GRCh38, chr7:6,003,704, plus strand): 5'-AGGTTTCTCTAAGGGGTCAAGTGAGTGGATAAAAATATTGTATCACCTCAGTGCACAAAG[T>C]GAGCTCAGAGCTTCCCCCCGAAAGCCAAAAGTTTCAACCTGAGTTAGGTCGGCAAACTCT-3'
Protein context (NP_000526.2, residues 103-123): TFGFRGEALS[Ser113=]LCALSDVTIS